The following is an entry in ClinVar:

ClinVar aggregate classification (germline): Pathogenic/Likely pathogenic. Review status: criteria provided, multiple submitters, no conflicts (2 of 4 stars). 2 submissions from 2 submitters: Pathogenic (1); Likely pathogenic (1). Last evaluated 2025-05-17.

Conditions:
Retinitis pigmentosa 25 (RP25). Identifiers: Orphanet 791, MedGen C1864446, MONDO:0011272, OMIM 602772.

Submissions (2):

Myriad Genetics, Inc.
Classification: Pathogenic for Retinitis pigmentosa 25. Last evaluated: 2025-05-17. Review status: criteria provided, single submitter. Criteria: Myriad Autosomal Dominant, Autosomal Recessive and X-Linked Classification Criteria (2023). Collection method: clinical testing. Allele origin: unknown.
Comment: NM_001142800.1(EYS):c.1057delG(D353Mfs*27) is a frameshift variant classified as pathogenic in the context of retinitis pigmentosa, EYS-related. D353Mfs*27 has not been observed in cases with relevant disease. Relevant functional assessments of this variant are not available in the literature. D353Mfs*27 has not been observed in referenced population frequency databases. In summary, NM_001142800.1(EYS):c.1057delG(D353Mfs*27) is a frameshift variant in a gene where loss of function is a known mechanism of disease and is predicted to disrupt protein function. Please note: this variant was assessed in the context of healthy population screening.

Natera, Inc.
Classification: Likely pathogenic for Retinitis pigmentosa type 25. Last evaluated: 2024-07-15. Review status: criteria provided, single submitter. Criteria: Natera Variant Classification Schema (03/2026). Collection method: clinical testing. Allele origin: germline.
Comment: The c.1057del variant in EYS is a frameshift variant predicted to shift the reading frame beginning at codon 353 and leads to a stop codon 27 codons downstream. This variant is expected to result in nonsense mediated decay, truncation, or a dysfunctional protein product. This variant is rare in the general population with a frequency below the threshold expected for the associated phenotype(s). Given the available evidence, this variant is classified as Likely Pathogenic.

NM_001142800.1(EYS):c.1057del

Gene: EYS (EGF-like photoreceptor maintenance factor; minus strand). Cytogenetic location: 6q12.
Variant type: Deletion.
Coding change: c.1057del on transcript NM_001142800.1; coding-DNA position 1057, one base deleted (G; older notation c.1057delG).
Genome position (GRCh38, 1-based): chr6:65,402,605, C deleted on the plus strand (G on the coding strand, the reverse complement: EYS is on the minus strand); the first of 2 consecutive C bases (chr6:65,402,605-65,402,606); deleting either gives the same sequence. VCF-style (leftmost placement, unchanged base first): chr6-65402604-TC-T. GRCh37 (hg19) VCF-style: chr6-66112497-TC-T.
Identifiers: ClinVar variation 4081652 (VCV004081652.1).